The following is an entry in ClinVar:

NM_005159.5(ACTC1):c.-57T>C

Genes: GJD2-DT (GJD2 divergent transcript; plus strand), ACTC1 (actin alpha cardiac muscle 1; minus strand). Cytogenetic location: 15q14.
Variant type: single nucleotide variant.
Coding change: c.-57T>C on transcript NM_005159.5 (MANE Select); 57 bases upstream of the start codon, T replaced by C.
Molecular consequence: 5 prime UTR variant.
Genome position (GRCh38, 1-based): chr15:34,795,540, A>G on the plus strand (T>C on the coding strand, the complement: ACTC1 is on the minus strand). VCF-style: chr15-34795540-A-G. GRCh37 (hg19) VCF-style: chr15-35087741-A-G.
Other names: c.-57T>C (LRG_388t1).
Identifiers: ClinVar variation 315716 (VCV000315716.8), dbSNP rs113178069, ClinGen allele CA10641656.

ClinVar aggregate classification (germline): Benign. Review status: criteria provided, multiple submitters, no conflicts (2 of 4 stars). 4 submissions from 3 submitters: Benign (4). Last evaluated 2018-01-13.

Conditions:
Dilated cardiomyopathy 1R (CMD1R). Identifiers: Orphanet 154, Orphanet 54260, MedGen C3150681, MONDO:0013261, OMIM 613424.
Hypertrophic cardiomyopathy 11. Also called: ACTC1-Related Familial Hypertrophic Cardiomyopathy. Identifiers: MedGen C2677506, MONDO:0012799, OMIM 612098.

Allele frequency attached by ClinVar (database versions not stated): 1000 Genomes Project 0.08247; 1000 Genomes Project 30x 0.09057; TOPMed 0.09673; gnomAD 0.10306 and 0.10580; gnomAD exomes 0.12665.
gnomAD v4.1: 15,666 of 152,206 alleles (10%); highest among the groups gnomAD compares: African/African-American, 14%; 933 homozygotes.

Submissions (4):

Illumina Laboratory Services, Illumina
Classification: Benign for Hypertrophic cardiomyopathy 11. Last evaluated: 2018-01-13. Review status: criteria provided, single submitter. Criteria: ICSL Variant Classification Criteria 13 December 2019. Collection method: clinical testing. Allele origin: germline.
Comment: This variant was observed in the ICSL laboratory as part of a predisposition screen in an ostensibly healthy population. It had not been previously curated by ICSL or reported in the Human Gene Mutation Database (HGMD: prior to June 1st, 2018), and was therefore a candidate for classification through an automated scoring system. Utilizing variant allele frequency, disease prevalence and penetrance estimates, and inheritance mode, an automated score was calculated to assess if this variant is too frequent to cause the disease. Based on the score and internal cut-off values, a variant classified as benign is not then subjected to further curation. The score for this variant resulted in a classification of benign for this disease.

Illumina Laboratory Services, Illumina
Classification: Benign for Dilated cardiomyopathy 1R. Last evaluated: 2018-01-13. Review status: criteria provided, single submitter. Criteria: ICSL Variant Classification Criteria 13 December 2019. Collection method: clinical testing. Allele origin: germline.
Comment: the same text as in the submission from Illumina Laboratory Services, Illumina above.

GeneDx
Classification: Benign. Last evaluated: 2015-03-03. Review status: criteria provided, single submitter. Criteria: GeneDx Variant Classification Process June 2021. Collection method: clinical testing. Allele origin: germline. Affected: yes.

Breakthrough Genomics
Classification: Benign. Review status: criteria provided, single submitter. Criteria: ACMG Guidelines, 2015. Collection method: not provided. Allele origin: germline. Inheritance: Autosomal dominant inheritance. Affected: yes.